The following is an entry in ClinVar:

NM_003738.5(PTCH2):c.2514+3T>C

Gene: PTCH2 (patched 2; minus strand). Cytogenetic location: 1p34.1.
Variant type: single nucleotide variant.
Coding change: c.2514+3T>C on transcript NM_003738.5 (MANE Select); 3 bases into the intron after coding-DNA position 2514, T replaced by C.
Molecular consequence: intron variant.
Genome position (GRCh38, 1-based): chr1:44,827,164, A>G on the plus strand (T>C on the coding strand, the complement: PTCH2 is on the minus strand). VCF-style: chr1-44827164-A-G. GRCh37 (hg19) VCF-style: chr1-45292836-A-G.
Other names: c.2514+3T>C (NM_001166292.2).
Identifiers: ClinVar variation 3712161 (VCV003712161.2).
Genomic context (GRCh38, chr1:44,827,164, plus strand): 5'-AAGGCCTGGGCCCAGGAGGCCTGCAGCCCCTGTACTAGTGGACCCCTCCAGCCCTCTCCC[A>G]ACCTGGCTGAAATCCAGAGGCTCCTGGGCGTCTCCAGTCTGGATGAGCAGCTTGTAGGCC-3'

ClinVar aggregate classification (germline): Uncertain significance (1 of 4 stars; one submission).

Conditions:
Gorlin syndrome. Also called: Basal cell nevus syndrome; Nevoid Basal Cell Carcinoma Syndrome. Identifiers: Orphanet 377, MedGen C0004779, MONDO:0007187.

Submission:

Labcorp Genetics (formerly Invitae), Labcorp
Classification: Uncertain significance for Gorlin syndrome. Last evaluated: 2024-03-20. Review status: criteria provided, single submitter. Criteria: Invitae Variant Classification Sherloc (09022015). Collection method: clinical testing. Allele origin: germline.
Comment: This sequence change falls in intron 16 of the PTCH2 gene. It does not directly change the encoded amino acid sequence of the PTCH2 protein. It affects a nucleotide within the consensus splice site. This variant is not present in population databases (gnomAD no frequency). This variant has not been reported in the literature in individuals affected with PTCH2-related conditions. Variants that disrupt the consensus splice site are a relatively common cause of aberrant splicing (PMID: 17576681, 9536098). Algorithms developed to predict the effect of sequence changes on RNA splicing suggest that this variant is not likely to affect RNA splicing. In summary, the available evidence is currently insufficient to determine the role of this variant in disease. Therefore, it has been classified as a Variant of Uncertain Significance.

Literature cited by the submitters: PubMed 17576681; PubMed 9536098.